The following is an entry in ClinVar:

NM_000094.4(COL7A1):c.556G>T (p.Val186Phe)

Gene: COL7A1 (collagen type VII alpha 1 chain; minus strand). Cytogenetic location: 3p21.31.
Variant type: single nucleotide variant.
Coding change: c.556G>T on transcript NM_000094.4 (MANE Select); coding-DNA position 556, G replaced by T.
Protein change: p.Val186Phe; replaces valine 186 with phenylalanine.
Molecular consequence: missense variant.
Genome position (GRCh38, 1-based): chr3:48,593,228, C>A on the plus strand (G>T on the coding strand, the complement: COL7A1 is on the minus strand). VCF-style: chr3-48593228-C-A. GRCh37 (hg19) VCF-style: chr3-48630661-C-A.
Other names: short protein forms V186F.
Identifiers: ClinVar variation 1419886 (VCV001419886.5), dbSNP rs2045838430, ClinGen allele CA352743849.

ClinVar aggregate classification (germline): Uncertain significance (1 of 4 stars; one submission).

Allele frequency attached by ClinVar (database versions not stated): gnomAD 0.00001; gnomAD exomes 0.00001; TOPMed 0.00001.
gnomAD v4.1: 5 of 1,614,028 alleles (0.00031%); highest among the groups gnomAD compares: African/African-American, 0.0013%; no homozygotes.

Submission:

Labcorp Genetics (formerly Invitae), Labcorp
Classification: Uncertain significance. Last evaluated: 2021-08-27. Review status: criteria provided, single submitter. Criteria: Invitae Variant Classification Sherloc (09022015). Collection method: clinical testing. Allele origin: germline.
Comment: This sequence change replaces valine with phenylalanine at codon 186 of the COL7A1 protein (p.Val186Phe). The valine residue is moderately conserved and there is a small physicochemical difference between valine and phenylalanine. This variant is not present in population databases (ExAC no frequency). This variant has not been reported in the literature in individuals affected with COL7A1-related conditions. Algorithms developed to predict the effect of missense changes on protein structure and function are either unavailable or do not agree on the potential impact of this missense change (SIFT: "Deleterious"; PolyPhen-2: "Not Available"; Align-GVGD: "Class C0"). In summary, the available evidence is currently insufficient to determine the role of this variant in disease. Therefore, it has been classified as a Variant of Uncertain Significance.